The following is an entry in ClinVar:

ClinVar aggregate classification (germline): Uncertain significance (1 of 4 stars; one submission).

Conditions:
Autosomal dominant childhood-onset proximal spinal muscular atrophy with contractures (SMALED2A). Also called: Spinal muscular atrophy, lower extremity-predominant, 2A, autosomal dominant; SPINAL MUSCULAR ATROPHY, LOWER EXTREMITY-PREDOMINANT, 2A, CHILDHOOD ONSET, AUTOSOMAL DOMINANT. Identifiers: Orphanet 363447, Orphanet 363454, MedGen C4747715, MONDO:0014121, OMIM 615290.

Submission:

Labcorp Genetics (formerly Invitae), Labcorp
Classification: Uncertain significance for Autosomal dominant childhood-onset proximal spinal muscular atrophy with contractures. Last evaluated: 2025-10-15. Review status: criteria provided, single submitter. Criteria: Invitae Variant Classification Sherloc (09022015). Collection method: clinical testing. Allele origin: germline.
Comment: This sequence change replaces glutamine, which is neutral and polar, with proline, which is neutral and non-polar, at codon 18 of the BICD2 protein (p.Gln18Pro). This variant is not present in population databases (gnomAD no frequency). This variant has not been reported in the literature in individuals affected with BICD2-related conditions. Invitae Evidence Modeling of protein sequence and biophysical properties (such as structural, functional, and spatial information, amino acid conservation, physicochemical variation, residue mobility, and thermodynamic stability) indicates that this missense variant is not expected to disrupt BICD2 protein function with a negative predictive value of 95%. In summary, the available evidence is currently insufficient to determine the role of this variant in disease. Therefore, it has been classified as a Variant of Uncertain Significance.

NM_001003800.2(BICD2):c.53A>C (p.Gln18Pro)

Gene: BICD2 (BICD cargo adaptor 2; minus strand). Cytogenetic location: 9q22.31.
Variant type: single nucleotide variant.
Coding change: c.53A>C on transcript NM_001003800.2 (MANE Select); coding-DNA position 53, A replaced by C.
Protein change: p.Gln18Pro; replaces glutamine 18 with proline.
Molecular consequence: missense variant.
Genome position (GRCh38, 1-based): chr9:92,764,692, T>G on the plus strand (A>C on the coding strand, the complement: BICD2 is on the minus strand). VCF-style: chr9-92764692-T-G. GRCh37 (hg19) VCF-style: chr9-95526974-T-G.
Other names: c.53A>C, p.Gln18Pro (NM_015250.4); short protein forms Q18P.
Identifiers: ClinVar variation 4754036 (VCV004754036.1).
Genomic context (GRCh38, chr9:92,764,692, plus strand): 5'-CGCGTGGTCTCGGCCAGCTCGTGGGACAGCCGCTTCACCTCGGCGCGCAGCCACTCCGGC[T>G]GCGCCTCCATCACCAGCCGCGCGTACTCCTCCTCCTCCGACGGCGCCGACATGGTGGCCG-3'
Protein context (NP_001003800.1, residues 8-28): EEYARLVMEA[Gln18Pro]PEWLRAEVKR